The following is an entry in ClinVar:

ClinVar aggregate classification (germline): Pathogenic (1 of 4 stars; one submission).

Submission:

Labcorp Genetics (formerly Invitae), Labcorp
Classification: Pathogenic. Last evaluated: 2022-10-05. Review status: criteria provided, single submitter. Criteria: Invitae Variant Classification Sherloc (09022015). Collection method: clinical testing. Allele origin: germline.
Comment: For these reasons, this variant has been classified as Pathogenic. This variant has not been reported in the literature in individuals affected with PAX3-related conditions. This variant is a gross deletion of the genomic region encompassing exon(s) 1-4 of the PAX3 gene, which includes the initiator codon. This deletion extends beyond the assayed region for this gene and therefore may encompass additional genes. It is expected to result in an absent or disrupted protein product. Loss-of-function variants in PAX3 are known to be pathogenic (PMID: 20127975, 23512835).

Literature cited by the submitters: PubMed 20127975; PubMed 23512835.

NC_000002.11:g.(?_223158866)_(223163334_?)del

Genes: CCDC140 (CCDC140 long non-coding RNA; plus strand), PAX3 (paired box 3; minus strand). Cytogenetic location: 2q36.1.
Variant type: Deletion.
Identifiers: ClinVar variation 1454649 (VCV001454649.5).